The following is an entry in ClinVar:

ClinVar aggregate classification (germline): Uncertain significance. Review status: criteria provided, multiple submitters, no conflicts (2 of 4 stars). 2 submissions from 2 submitters: Uncertain significance (2). Last evaluated 2025-11-30.

Conditions:
Neurofibromatosis, type 1 (NF1). Also called: VON RECKLINGHAUSEN DISEASE; NEUROFIBROMATOSIS, TYPE I, SOMATIC; Neurofibromatosis, type I; Peripheral type neurofibromatosis. Identifiers: Orphanet 636, MedGen C0027831, MONDO:0018975, OMIM 162200. Disease mechanism: loss of function.
Cardiovascular phenotype. Identifiers: MedGen CN230736.
Hereditary cancer-predisposing syndrome. Also called: Neoplastic Syndromes, Hereditary; Tumor predisposition; Hereditary Cancer Syndrome; Hereditary neoplastic syndrome. Identifiers: Orphanet 140162, MedGen C0027672, MeSH D009386, MONDO:0015356.

Allele frequency attached by ClinVar (database versions not stated): gnomAD exomes below 0.00001.
gnomAD v4.1: 1 of 1,613,128 alleles (0.000062%); highest among the groups gnomAD compares: Non-Finnish European, 0.000085%; no homozygotes.

Submissions (2):

Labcorp Genetics (formerly Invitae), Labcorp
Classification: Uncertain significance for Neurofibromatosis, type 1. Last evaluated: 2025-11-30. Review status: criteria provided, single submitter. Criteria: Invitae Variant Classification Sherloc (09022015). Collection method: clinical testing. Allele origin: germline.
Comment: This sequence change replaces proline, which is neutral and non-polar, with leucine, which is neutral and non-polar, at codon 1691 of the NF1 protein (p.Pro1691Leu). This variant is not present in population databases (gnomAD no frequency). This variant has not been reported in the literature in individuals affected with NF1-related conditions. ClinVar contains an entry for this variant (Variation ID: 1745162). Invitae Evidence Modeling of protein sequence and biophysical properties (such as structural, functional, and spatial information, amino acid conservation, physicochemical variation, residue mobility, and thermodynamic stability) indicates that this missense variant is not expected to disrupt NF1 protein function with a negative predictive value of 95%. In summary, the available evidence is currently insufficient to determine the role of this variant in disease. Therefore, it has been classified as a Variant of Uncertain Significance.

Ambry Genetics
Classification: Uncertain significance for Cardiovascular phenotype; Hereditary cancer-predisposing syndrome. Last evaluated: 2020-12-16. Review status: criteria provided, single submitter. Criteria: Ambry Variant Classification Scheme 2023. Collection method: clinical testing. Allele origin: germline.
Comment: The p.P1691L variant (also known as c.5072C>T), located in coding exon 36 of the NF1 gene, results from a C to T substitution at nucleotide position 5072. The proline at codon 1691 is replaced by leucine, an amino acid with similar properties. This amino acid position is highly conserved in available vertebrate species. In addition, this alteration is predicted to be tolerated by in silico analysis. Since supporting evidence is limited at this time, the clinical significance of this alteration remains unclear.

NM_001042492.3(NF1):c.5135C>T (p.Pro1712Leu)

Gene: NF1 (neurofibromin 1; plus strand). Cytogenetic location: 17q11.2.
Variant type: single nucleotide variant.
Coding change: c.5135C>T on transcript NM_001042492.3 (MANE Select); coding-DNA position 5135, C replaced by T.
Protein change: p.Pro1712Leu; replaces proline 1712 with leucine.
Molecular consequence: missense variant.
Genome position (GRCh38, 1-based): chr17:31,326,119, C>T. VCF-style: chr17-31326119-C-T. GRCh37 (hg19) VCF-style: chr17-29653137-C-T.
Other names: c.5072C>T, p.Pro1691Leu (NM_000267.4); short protein forms P1691L, P1712L.
Identifiers: ClinVar variation 1745162 (VCV001745162.3), dbSNP rs2151538637, ClinGen allele CA399007777.